The following is an entry in ClinVar:

NM_080732.4(EGLN2):c.692C>T (p.Pro231Leu)

Genes: EGLN2 (egl-9 family hypoxia inducible factor 2; plus strand), RAB4B-EGLN2 (RAB4B-EGLN2 readthrough (NMD candidate); plus strand). Cytogenetic location: 19q13.2.
Variant type: single nucleotide variant.
Coding change: c.692C>T on transcript NM_080732.4 (MANE Select); coding-DNA position 692, C replaced by T.
Protein change: p.Pro231Leu; replaces proline 231 with leucine.
Molecular consequence: missense variant. On other transcripts: non-coding transcript variant (1).
Genome position (GRCh38, 1-based): chr19:40,801,264, C>T. VCF-style: chr19-40801264-C-T. GRCh37 (hg19) VCF-style: chr19-41307169-C-T.
Other names: c.692C>T, p.Pro231Leu (NM_053046.4); short protein forms P231L.
Identifiers: ClinVar variation 2497290 (VCV002497290.2), dbSNP rs1249332602, ClinGen allele CA405955782.

ClinVar aggregate classification (germline): Uncertain significance (1 of 4 stars; one submission).

Allele frequency attached by ClinVar (database versions not stated): TOPMed below 0.00001; gnomAD 0.00001.

Submission:

Ambry Genetics
Classification: Uncertain significance. Last evaluated: 2023-02-12. Review status: criteria provided, single submitter. Criteria: Ambry Variant Classification Scheme 2023. Collection method: clinical testing. Allele origin: germline.
Comment: The p.P231L variant (also known as c.692C>T), located in coding exon 1 of the EGLN2 gene, results from a C to T substitution at nucleotide position 692. The proline at codon 231 is replaced by leucine, an amino acid with similar properties. This amino acid position is conserved. In addition, this alteration is predicted to be tolerated by in silico analysis. Since supporting evidence is limited at this time, the clinical significance of this alteration remains unclear.